The following is an entry in ClinVar:

ClinVar aggregate classification (germline): Benign/Likely benign. Review status: criteria provided, multiple submitters, no conflicts (2 of 4 stars). 14 submissions from 14 submitters: Benign (11); Likely benign (1). 2 of the submissions do not count toward it. Last evaluated 2026-02-04.

Conditions:
POLD1-related polyposis and colorectal cancer syndrome (CRCS10). Also called: COLORECTAL CANCER, SUSCEPTIBILITY TO, ON CHROMOSOME 19q; Colorectal cancer 10; Colorectal cancer, susceptibility to, 10. Identifiers: Orphanet 220460, MedGen C2675481, MONDO:0012953, OMIM 612591.
Hereditary cancer-predisposing syndrome. Also called: Hereditary Cancer Syndrome; Neoplastic Syndromes, Hereditary; Hereditary neoplastic syndrome; Tumor predisposition. Identifiers: Orphanet 140162, MedGen C0027672, MeSH D009386, MONDO:0015356.
Mandibular hypoplasia-deafness-progeroid syndrome. Also called: Mandibular hypoplasia, deafness, progeroid features, and lipodystrophy syndrome. Identifiers: Orphanet 363649, MedGen C3715192, MONDO:0014157, OMIM 615381.

Allele frequency attached by ClinVar (database versions not stated): 1000 Genomes Project 30x 0.07730; 1000 Genomes Project 0.07748; TOPMed 0.08900; ESP Exome Variant Server 0.08913; gnomAD 0.09769 and 0.09780; gnomAD exomes 0.10457; ExAC 0.12399.
gnomAD v4.1: 185,007 of 1,580,166 alleles (12%); highest among the groups gnomAD compares: South Asian, 14%; 11,895 homozygotes.

Submissions (14):

Labcorp Genetics (formerly Invitae), Labcorp
Classification: Benign for POLD1-related polyposis and colorectal cancer syndrome. Last evaluated: 2026-02-04. Review status: criteria provided, single submitter. Criteria: Invitae Variant Classification Sherloc (09022015). Collection method: clinical testing. Allele origin: germline.

GeneKor MSA
Classification: Benign for Hereditary cancer-predisposing syndrome. Last evaluated: 2025-07-10. Review status: criteria provided, single submitter. Criteria: ACMG Guidelines, 2015. Collection method: clinical testing. Allele origin: germline.

Myriad Genetics, Inc.
Classification: Benign for POLD1-related polyposis and colorectal cancer syndrome. Last evaluated: 2025-02-06. Review status: criteria provided, single submitter. Criteria: Myriad Autosomal Dominant, Autosomal Recessive and X-Linked Classification Criteria (2023). Collection method: clinical testing. Allele origin: unknown.
Comment: This variant is considered benign. This variant is a silent/synonymous amino acid change and it is not expected to impact splicing.

Blueprint Genetics
Classification: Likely benign. Last evaluated: 2024-11-28. Review status: criteria provided, single submitter. Criteria: ACMG Guidelines, 2015. Collection method: clinical testing. Allele origin: germline.

KCCC/NGS Laboratory, Kuwait Cancer Control Center
Classification: Benign for POLD1-related polyposis and colorectal cancer syndrome. Last evaluated: 2023-07-07. Review status: criteria provided, single submitter. Criteria: ACMG Guidelines, 2015. Collection method: clinical testing. Allele origin: germline. Affected: yes.

Mayo Clinic Laboratories, Mayo Clinic
Classification: Benign. Last evaluated: 2022-09-06. Review status: criteria provided, single submitter. Criteria: ACMG Guidelines, 2015. Collection method: clinical testing. Allele origin: germline. Observed: 165 variant alleles.

Genome-Nilou Lab
Classification: Benign for Mandibular hypoplasia-deafness-progeroid syndrome. Last evaluated: 2021-10-25. Review status: criteria provided, single submitter. Criteria: ACMG Guidelines, 2015. Collection method: clinical testing. Allele origin: germline. Affected: no.

Women's Health and Genetics/Laboratory Corporation of America, LabCorp
Classification: Benign. Last evaluated: 2016-08-25. Review status: criteria provided, single submitter. Criteria: LabCorp Variant Classification Summary - May 2015. Collection method: clinical testing. Allele origin: germline.
Comment: Variant summary: The c.1485C>T (p.Thr495=) in POLD1 gene is a synonymous change that involves a non-conserved nucleotide. 2/5 programs in Alamut predict that this variant may affect the normal splicing pattern by weakening the neighboring donor site, however no functional studies supporting these predictions were published at the time of evaluation. The variant is present in the control population dataset of ExAC at frequency of 0.124 (5844/47134 chrs tested), including numerous homozygous occurrences. This frequency exceeds the estimated maximum allele frequency for a pathogenic allele in this gene (0.0000142). The variant of interest has not, to our knowledge, been reported in publications or cited by multiple reputable databases/clinical laboratories. Taking together, based on the prevalence of this variant in general population the variant was classified as Benign.

GeneDx
Classification: Benign. Last evaluated: 2015-10-29. Review status: criteria provided, single submitter. Criteria: GeneDx Variant Classification (06012015). Collection method: clinical testing. Allele origin: germline. Affected: yes.
Comment: This variant is considered likely benign or benign based on one or more of the following criteria: it is a conservative change, it occurs at a poorly conserved position in the protein, it is predicted to be benign by multiple in silico algorithms, and/or has population frequency not consistent with disease.

Ambry Genetics
Classification: Benign for Hereditary cancer-predisposing syndrome. Last evaluated: 2015-05-20. Review status: criteria provided, single submitter. Criteria: Ambry Variant Classification Scheme 2023. Collection method: clinical testing. Allele origin: germline.

Breakthrough Genomics
Classification: Benign. Review status: criteria provided, single submitter. Criteria: ACMG Guidelines, 2015. Collection method: not provided. Allele origin: germline. Inheritance: Autosomal dominant inheritance. Affected: yes.

PreventionGenetics, part of Exact Sciences
Classification: Benign. Review status: criteria provided, single submitter. Criteria: ACMG Guidelines, 2015. Collection method: clinical testing. Allele origin: germline.

Clinical Genetics, Academic Medical Center
Classification: Benign. Review status: no assertion criteria provided. Collection method: clinical testing. Allele origin: germline. Affected: yes. Study: VKGL Data-share Consensus. Not counted in ClinVar's aggregate classification.

Joint Genome Diagnostic Labs from Nijmegen and Maastricht, Radboudumc and MUMC+
Classification: Benign. Review status: no assertion criteria provided. Collection method: clinical testing. Allele origin: germline. Affected: yes. Study: VKGL Data-share Consensus. Not counted in ClinVar's aggregate classification.

NM_002691.4(POLD1):c.1485C>T (p.Thr495=)

Gene: POLD1 (DNA polymerase delta 1, catalytic subunit; plus strand). Cytogenetic location: 19q13.33.
Variant type: single nucleotide variant.
Coding change: c.1485C>T on transcript NM_002691.4 (MANE Select); coding-DNA position 1485, C replaced by T.
Protein change: p.Thr495=; no amino-acid change (threonine 495 retained).
Molecular consequence: synonymous variant. On other transcripts: non-coding transcript variant (1).
Genome position (GRCh38, 1-based): chr19:50,406,508, C>T. VCF-style: chr19-50406508-C-T. GRCh37 (hg19) VCF-style: chr19-50909765-C-T.
Other names: p.Thr495=; c.1485C>T, p.Thr495= (NM_001256849.1, NM_001308632.1).
Identifiers: ClinVar variation 258787 (VCV000258787.28), dbSNP rs2230245, ClinGen allele CA9596145.